The following is an entry in ClinVar:

ClinVar aggregate classification (germline): Conflicting classifications of pathogenicity. Review status: criteria provided, conflicting classifications (1 of 4 stars). 2 submissions from 2 submitters: Uncertain significance (1); Likely benign (1). Last evaluated 2026-01-22.

Conditions:
TTN-related disorder. Also called: TTN-related disorders; TTN-related condition; TTN-related disease.
Cardiomyopathy (CMYO). Also called: Cardiomyopathies. Identifiers: Orphanet 167848, MedGen C0878544, MONDO:0004994, HP:0001638. Inheritance: Various modes of inheritance.

Submissions (2):

PreventionGenetics, part of Exact Sciences
Classification: Uncertain significance for TTN-related condition. Last evaluated: 2026-01-22. Review status: criteria provided, single submitter. Criteria: ACMG Guidelines, 2015. Collection method: clinical testing. Allele origin: germline.
Comment: The TTN c.132G>T variant is predicted to result in the amino acid substitution p.Gln44His. To our knowledge, this variant has not been reported in the literature or in a large population database (gnomAD), indicating this variant is rare. At this time, the clinical significance of this variant is uncertain due to the absence of conclusive functional and genetic evidence.

CHEO Genetics Diagnostic Laboratory, Children's Hospital of Eastern Ontario
Classification: Likely benign for Cardiomyopathy. Last evaluated: 2023-04-28. Review status: criteria provided, single submitter. Criteria: ACMG Guidelines, 2015. Collection method: clinical testing. Allele origin: germline.

NM_001267550.2(TTN):c.132G>T (p.Gln44His)

Gene: TTN (titin; minus strand). Cytogenetic location: 2q31.2.
Variant type: single nucleotide variant.
Coding change: c.132G>T on transcript NM_001267550.2 (MANE Select); coding-DNA position 132, G replaced by T.
Protein change: p.Gln44His; replaces glutamine 44 with histidine.
Molecular consequence: missense variant.
Genome position (GRCh38, 1-based): chr2:178,802,301, C>A on the plus strand (G>T on the coding strand, the complement: TTN is on the minus strand). VCF-style: chr2-178802301-C-A. GRCh37 (hg19) VCF-style: chr2-179667028-C-A.
Other names: c.132G>T, p.Gln44His (NM_001256850.1, NM_003319.4, NM_133378.4 and 3 more transcripts); short protein forms Q44H.
Identifiers: ClinVar variation 2691057 (VCV002691057.2), dbSNP rs751250111, ClinGen allele CA349531394.